The following is an entry in ClinVar:

ClinVar aggregate classification (germline): Uncertain significance (1 of 4 stars; one submission).

gnomAD v4.1: 1 of 1,614,020 alleles (0.000062%); highest among the groups gnomAD compares: Non-Finnish European, 0.000085%; no homozygotes.

Submission:

Labcorp Genetics (formerly Invitae), Labcorp
Classification: Uncertain significance. Last evaluated: 2025-03-30. Review status: criteria provided, single submitter. Criteria: Invitae Variant Classification Sherloc (09022015). Collection method: clinical testing. Allele origin: germline.
Comment: This sequence change replaces glutamine, which is neutral and polar, with glutamic acid, which is acidic and polar, at codon 684 of the DCHS1 protein (p.Gln684Glu). This variant is not present in population databases (gnomAD no frequency). This variant has not been reported in the literature in individuals affected with DCHS1-related conditions. Invitae Evidence Modeling of protein sequence and biophysical properties (such as structural, functional, and spatial information, amino acid conservation, physicochemical variation, residue mobility, and thermodynamic stability) indicates that this missense variant is not expected to disrupt DCHS1 protein function with a negative predictive value of 80%. In summary, the available evidence is currently insufficient to determine the role of this variant in disease. Therefore, it has been classified as a Variant of Uncertain Significance.

NM_003737.4(DCHS1):c.2050C>G (p.Gln684Glu)

Gene: DCHS1 (dachsous cadherin-related 1; minus strand). Cytogenetic location: 11p15.4.
Variant type: single nucleotide variant.
Coding change: c.2050C>G on transcript NM_003737.4 (MANE Select); coding-DNA position 2050, C replaced by G.
Protein change: p.Gln684Glu; replaces glutamine 684 with glutamic acid.
Molecular consequence: missense variant.
Genome position (GRCh38, 1-based): chr11:6,633,957, G>C on the plus strand (C>G on the coding strand, the complement: DCHS1 is on the minus strand). VCF-style: chr11-6633957-G-C. GRCh37 (hg19) VCF-style: chr11-6655188-G-C.
Other names: short protein forms Q684E.
Identifiers: ClinVar variation 4740802 (VCV004740802.1).
Genomic context (GRCh38, chr11:6,633,957, plus strand): 5'-CAGCTGTGCCTGGTGGACTCTGGGCACTTATACTGGCAGCATACTCCCGTGGATAAAACT[G>C]AGGAGGGTTGTCATTCTCGTCTGACAGAAACACCTTCACATATACCATGGACTTGAGGCC-3'
Protein context (NP_003728.1, residues 674-694): FLSDENDNPP[Gln684Glu]FYPREYAASI